The following is an entry in ClinVar:

NM_006306.4(SMC1A):c.789G>A (p.Leu263=)

Gene: SMC1A (structural maintenance of chromosomes 1A; minus strand). Cytogenetic location: Xp11.22.
Variant type: single nucleotide variant.
Coding change: c.789G>A on transcript NM_006306.4 (MANE Select); coding-DNA position 789, G replaced by A.
Protein change: p.Leu263=; no amino-acid change (leucine 263 retained).
Molecular consequence: synonymous variant.
Genome position (GRCh38, 1-based): chrX:53,412,965, C>T on the plus strand (G>A on the coding strand, the complement: SMC1A is on the minus strand). VCF-style: chrX-53412965-C-T. GRCh37 (hg19) VCF-style: chrX-53439915-C-T.
Other names: c.723G>A, p.Leu241= (NM_001281463.1).
Identifiers: ClinVar variation 4534469 (VCV004534469.6).
Genomic context (GRCh38, chrX:53,412,965, plus strand): 5'-CTCCTTCTCAATCTGCTGCTGCTCCCGCATCATTTTGCCCAGCTCCTTCTTCTTCTCCTT[C>T]AGTTCATCCTCCACCTTGTCCATACGCTTCTTGTCCTTCTCGATCTCCTTGTTCTTTGAG-3'
Protein context (NP_006297.2, residues 253-273): KKRMDKVEDE[Leu263=]KEKKKELGKM

ClinVar aggregate classification (germline): Likely benign (1 of 4 stars; one submission).

Submission:

CeGaT Center for Human Genetics Tuebingen
Classification: Likely benign. Last evaluated: 2025-10-01. Review status: criteria provided, single submitter. Criteria: CeGaT Center For Human Genetics Tuebingen Variant Classification Criteria Version 2. Collection method: clinical testing. Allele origin: germline. Affected: yes. Observed: 1 variant allele.
Comment: SMC1A: PM2:Supporting, BP4, BP7